The following is an entry in ClinVar:

NM_145331.3(MAP3K7):c.323A>C (p.Glu108Ala)

Gene: MAP3K7 (mitogen-activated protein kinase kinase kinase 7; minus strand). Cytogenetic location: 6q15.
Variant type: single nucleotide variant.
Coding change: c.323A>C on transcript NM_145331.3 (MANE Select); coding-DNA position 323, A replaced by C.
Protein change: p.Glu108Ala; replaces glutamic acid 108 with alanine.
Molecular consequence: missense variant.
Genome position (GRCh38, 1-based): chr6:90,561,642, T>G on the plus strand (A>C on the coding strand, the complement: MAP3K7 is on the minus strand). VCF-style: chr6-90561642-T-G. GRCh37 (hg19) VCF-style: chr6-91271361-T-G.
Other names: c.323A>C (NM_145331.2); c.323A>C, p.Glu108Ala (NM_003188.4, NM_145332.3, NM_145333.3); short protein forms E108A.
Identifiers: ClinVar variation 3640845 (VCV003640845.3).

ClinVar aggregate classification (germline): Uncertain significance. Review status: criteria provided, multiple submitters, no conflicts (2 of 4 stars). 2 submissions from 2 submitters: Uncertain significance (2). Last evaluated 2025-02-25.

Submissions (2):

GeneDx
Classification: Uncertain significance. Last evaluated: 2025-02-25. Review status: criteria provided, single submitter. Criteria: GeneDx Variant Classification Process June 2021. Collection method: clinical testing. Allele origin: germline. Affected: yes.
Comment: Not observed at significant frequency in large population cohorts (gnomAD); In silico analysis supports that this missense variant has a deleterious effect on protein structure/function; Has not been previously published as pathogenic or benign to our knowledge

Labcorp Genetics (formerly Invitae), Labcorp
Classification: Uncertain significance. Last evaluated: 2024-06-03. Review status: criteria provided, single submitter. Criteria: Invitae Variant Classification Sherloc (09022015). Collection method: clinical testing. Allele origin: germline.
Comment: This sequence change replaces glutamic acid, which is acidic and polar, with alanine, which is neutral and non-polar, at codon 108 of the MAP3K7 protein (p.Glu108Ala). This variant is not present in population databases (gnomAD no frequency). This variant has not been reported in the literature in individuals affected with MAP3K7-related conditions. An algorithm developed to predict the effect of missense changes on protein structure and function (PolyPhen-2) suggests that this variant is likely to be disruptive. In summary, the available evidence is currently insufficient to determine the role of this variant in disease. Therefore, it has been classified as a Variant of Uncertain Significance.